The following is an entry in ClinVar:

NM_021930.6(RINT1):c.407T>C (p.Leu136Pro)

Gene: RINT1 (RAD50 interactor 1; plus strand). Cytogenetic location: 7q22.3.
Variant type: single nucleotide variant.
Coding change: c.407T>C on transcript NM_021930.6 (MANE Select); coding-DNA position 407, T replaced by C.
Protein change: p.Leu136Pro; replaces leucine 136 with proline.
Molecular consequence: missense variant. On other transcripts: 5 prime UTR variant (3), non-coding transcript variant (1).
Genome position (GRCh38, 1-based): chr7:105,542,541, T>C. VCF-style: chr7-105542541-T-C. GRCh37 (hg19) VCF-style: chr7-105182988-T-C.
Other names: c.173T>C, p.Leu58Pro (NM_001346599.2); c.-613T>C (NM_001346600.2); c.-516T>C (NM_001346601.2); c.-136T>C (NM_001346603.2); short protein forms L136P, L58P.
Identifiers: ClinVar variation 2563350 (VCV002563350.2), dbSNP rs2485112756, ClinGen allele CA368803478.
Genomic context (GRCh38, chr7:105,542,541, plus strand): 5'-TTCTTAATCAGTTTCTGGAGCAGGAAACTCATCTCTTCAGCGCCATTAACAGCCATTTGC[T>C]GACTGCGCAACCTTGGATGGACGATCTTGGAACCATGATTAGCCAGATTGAAGAGATCGA-3'
Protein context (NP_068749.3, residues 126-146): HLFSAINSHL[Leu136Pro]TAQPWMDDLG

ClinVar aggregate classification (germline): Uncertain significance (1 of 4 stars; one submission).

Submission:

Ambry Genetics
Classification: Uncertain significance. Last evaluated: 2023-04-16. Review status: criteria provided, single submitter. Criteria: Ambry Variant Classification Scheme 2023. Collection method: clinical testing. Allele origin: germline.
Comment: The p.L136P variant (also known as c.407T>C), located in coding exon 4 of the RINT1 gene, results from a T to C substitution at nucleotide position 407. The leucine at codon 136 is replaced by proline, an amino acid with similar properties. This amino acid position is conserved. In addition, this alteration is predicted to be tolerated by in silico analysis. Since supporting evidence is limited at this time, the clinical significance of this alteration remains unclear.